The following is an entry in ClinVar:

ClinVar aggregate classification (germline): Likely pathogenic (1 of 4 stars; one submission).

Conditions:
Hereditary breast ovarian cancer syndrome. Also called: Hereditary breast and/or ovarian cancer syndrome; Hereditary breast and ovarian cancer; Breast and ovarian cancer; Hereditary breast and ovarian cancer syndrome; Hereditary breast and ovarian cancer syndrome (HBOC); BRCA1- and BRCA2-Associated Hereditary Breast and Ovarian Cancer. Identifiers: Orphanet 145, MedGen C0677776, MeSH D061325, MONDO:0003582. Disease mechanism: loss of function.

Submission:

Breast Care Center, Daerim St. Mary`s Hospital
Classification: Likely pathogenic for Hereditary Breast and Ovarian Cancer Syndrome. Last evaluated: 2020-11-06. Review status: criteria provided, single submitter. Criteria: ACMG Guidelines, 2015. Collection method: clinical testing. Allele origin: germline. Inheritance: Autosomal dominant inheritance. Affected: yes. Observed: 1 heterozygote.
Comment: The BRCA1:c.3253_3254insAA (p.Arg1085fs) variant was located in coding exon 10 of the BRCA1 gene. This insertion results in a frameshift, causing NMD(nonsense-mediated mRNA decay) and loss-of function. This type of variant is a known mechanisms of disease. Additionally, this null variant is not found in gnomAD genomes/exomes.

NM_007294.4(BRCA1):c.3253_3254insAA (p.Arg1085fs)

Genes: BRCA1 (BRCA1 DNA repair associated; minus strand), LOC126862571 (BRD4-independent group 4 enhancer GRCh37_chr17:41243136-41244335; plus strand). Cytogenetic location: 17q21.31.
Variant type: Insertion.
Coding change: c.3253_3254insAA on transcript NM_007294.4 (MANE Select); coding-DNA positions 3253 to 3254, AA inserted.
Protein change: p.Arg1085fs; shifts the reading frame from arginine 1085.
Molecular consequence: frameshift variant. On other transcripts: intron variant (137).
Genome position: GRCh38 VCF-style: chr17-43092277-C-CTT. GRCh37 (hg19) VCF-style: chr17-41244294-C-CTT.
Other names: c.2917_2918insAA, p.Arg973fs (NM_001407958.1, NM_001407956.1, NM_001407954.1 and 1 more transcripts); c.2872_2873insAA, p.Arg958fs (NM_001407959.1, NM_001407960.1, NM_001407963.1); c.2869_2870insAA, p.Arg957fs (NM_001407962.1); c.2920_2921insAA, p.Arg974fs (NM_001407957.1, NM_001407946.1, NM_001407947.1 and 6 more transcripts); c.3130_3131insAA, p.Arg1044fs (NM_001407939.1, NM_001407648.1, NM_001407664.1 and 19 more transcripts); c.3127_3128insAA, p.Arg1043fs (NM_001407940.1, NM_001407941.1, NM_001407649.1 and 11 more transcripts); c.3112_3113insAA, p.Arg1038fs (NM_001407942.1, NM_001407944.1, NM_001407945.1 and 29 more transcripts); c.3109_3110insAA, p.Arg1037fs (NM_001407943.1, NM_001407964.1, NM_001407740.1 and 20 more transcripts); and 41 more; short protein forms R1014fs, R1015fs, R1017fs, R1018fs, R1037fs, R1038fs, R1043fs, R1044fs.
Identifiers: ClinVar variation 2580193 (VCV002580193.2), dbSNP rs80357517, ClinGen allele CA2580617965.